The following is an entry in ClinVar:

NM_000368.5(TSC1):c.1624A>T (p.Lys542Ter)

Gene: TSC1 (TSC complex subunit 1; minus strand). Cytogenetic location: 9q34.13.
Variant type: single nucleotide variant.
Coding change: c.1624A>T on transcript NM_000368.5 (MANE Select); coding-DNA position 1624, A replaced by T.
Protein change: p.Lys542Ter; replaces lysine 542 with a stop codon.
Molecular consequence: nonsense.
Genome position (GRCh38, 1-based): chr9:132,905,954, T>A on the plus strand (A>T on the coding strand, the complement: TSC1 is on the minus strand). VCF-style: chr9-132905954-T-A. GRCh37 (hg19) VCF-style: chr9-135781341-T-A.
Other names: c.1621A>T, p.Lys541Ter (NM_001162426.2); c.1471A>T, p.Lys491Ter (NM_001162427.2); c.1261A>T, p.Lys421Ter (NM_001362177.2); short protein forms K421*, K542*, K491*, K541*.
Identifiers: ClinVar variation 962589 (VCV000962589.7), dbSNP rs1845641716, ClinGen allele CA375364632.
Genomic context (GRCh38, chr9:132,905,954, plus strand): 5'-CACTGCCGCAGGGCAGGTCTATGGGAGTAAAGGCTTGCTTTGGTGTGTCAGGCCCAAGCT[T>A]GTCCAGGGAGGAGTGTAAAGGCTCAGGGTTCACGCTGGCGCCCTGAGAACTGGAGGCTGC-3'

ClinVar aggregate classification (germline): Pathogenic (1 of 4 stars; one submission).

Conditions:
Tuberous sclerosis 1 (TSC1). Identifiers: Orphanet 805, MedGen C1854465, MONDO:0008612, OMIM 191100.

Submission:

Labcorp Genetics (formerly Invitae), Labcorp
Classification: Pathogenic for Tuberous sclerosis 1. Last evaluated: 2019-09-28. Review status: criteria provided, single submitter. Criteria: Invitae Variant Classification Sherloc (09022015). Collection method: clinical testing. Allele origin: germline.
Comment: For these reasons, this variant has been classified as Pathogenic. Loss-of-function variants in TSC1 are known to be pathogenic (PMID: 10227394, 17304050). This variant has not been reported in the literature in individuals with TSC1-related conditions. This variant is not present in population databases (ExAC no frequency). This sequence change creates a premature translational stop signal (p.Lys542*) in the TSC1 gene. It is expected to result in an absent or disrupted protein product.

Literature cited by the submitters: PubMed 10227394; PubMed 17304050.